The following is an entry in ClinVar:

ClinVar aggregate classification (germline): Uncertain significance. Review status: criteria provided, multiple submitters, no conflicts (2 of 4 stars). 2 submissions from 2 submitters: Uncertain significance (2). Last evaluated 2025-05-09.

Conditions:
Leukodystrophy and acquired microcephaly with or without dystonia;. Also called: Leukodystrophy and acquired microcephaly with or without dystonia. Identifiers: MedGen C4225213, MONDO:0014766, OMIM 616763.

Allele frequency attached by ClinVar (database versions not stated): gnomAD 0.00006 and 0.00007; TOPMed 0.00007; ExAC 0.00008; gnomAD exomes 0.00008 and 0.00012; ESP Exome Variant Server 0.00015.
gnomAD v4.1: 183 of 1,608,242 alleles (0.011%); highest among the groups gnomAD compares: Non-Finnish European, 0.015%; no homozygotes.

Submissions (3):

GeneDx
Classification: Uncertain significance. Last evaluated: 2025-05-09. Review status: criteria provided, single submitter. Criteria: GeneDx Variant Classification Process June 2021. Collection method: clinical testing. Allele origin: germline. Affected: yes.
Comment: In silico analysis is inconclusive as to whether the variant alters gene splicing. In the absence of RNA/functional studies, the actual effect of this sequence change is unknown.; Has not been previously published as pathogenic or benign to our knowledge

Baylor Genetics
Classification: Uncertain significance for Leukodystrophy and acquired microcephaly with or without dystonia;. Last evaluated: 2018-10-08. Review status: criteria provided, single submitter. Criteria: ACMG Guidelines, 2015. Collection method: clinical testing. Allele origin: maternal. Affected: yes.
Comment: This variant was determined to be of uncertain significance according to ACMG Guidelines, 2015 [PMID:25741868].

Dr. Peter K. Rogan Lab, Western University
No classification provided (evidence only). Condition: Cervical cancer. Review status: no classification provided. Collection method: in vitro. Allele origin: not applicable. Functional consequence: retained intron. Not counted in ClinVar's aggregate classification.

NM_022835.3(PLEKHG2):c.1677+5G>A

Gene: PLEKHG2 (pleckstrin homology and RhoGEF domain containing G2; plus strand). Cytogenetic location: 19q13.2.
Variant type: single nucleotide variant.
Coding change: c.1677+5G>A on transcript NM_022835.3 (MANE Select); 5 bases into the intron after coding-DNA position 1677, G replaced by A.
Molecular consequence: intron variant.
Genome position (GRCh38, 1-based): chr19:39,422,293, G>A. VCF-style: chr19-39422293-G-A. GRCh37 (hg19) VCF-style: chr19-39912933-G-A.
Other names: NC_000019.9:g.39912933G>A; c.1500+5G>A (NM_001351693.2); c.1677+5G>A (NM_001351694.2).
Identifiers: ClinVar variation 1034019 (VCV001034019.3), dbSNP rs370089865, ClinGen allele CA9429610.